The following is an entry in ClinVar:

NM_018671.5(UNC45A):c.1292G>A (p.Arg431Gln)

Gene: UNC45A (unc-45 myosin chaperone A; plus strand). Cytogenetic location: 15q26.1.
Variant type: single nucleotide variant.
Coding change: c.1292G>A on transcript NM_018671.5 (MANE Select); coding-DNA position 1292, G replaced by A.
Protein change: p.Arg431Gln; replaces arginine 431 with glutamine.
Molecular consequence: missense variant.
Genome position (GRCh38, 1-based): chr15:90,946,706, G>A. VCF-style: chr15-90946706-G-A. GRCh37 (hg19) VCF-style: chr15-91489936-G-A.
Other names: c.1247G>A, p.Arg416Gln (NM_001039675.2, NM_001323621.2); c.1292G>A, p.Arg431Gln (NM_001323619.1); c.857G>A, p.Arg286Gln (NM_001323620.2); short protein forms R286Q, R416Q, R431Q.
Identifiers: ClinVar variation 1345061 (VCV001345061.4), dbSNP rs75536206, ClinGen allele CA7742854.

ClinVar aggregate classification (germline): Conflicting classifications of pathogenicity. Review status: criteria provided, conflicting classifications (1 of 4 stars). 2 submissions from 2 submitters: Uncertain significance (1); Likely benign (1). Last evaluated 2026-04-24.

Conditions:
UNC45A-related disorder. Also called: UNC45A-related condition.

Allele frequency attached by ClinVar (database versions not stated): TOPMed 0.00007; ExAC 0.00017; gnomAD exomes 0.00018; 1000 Genomes Project 30x 0.00094; 1000 Genomes Project 0.00120.
gnomAD v4.1: 288 of 1,613,078 alleles (0.018%); highest among the groups gnomAD compares: East Asian, 0.56%; 1 homozygote.

Submissions (2):

PreventionGenetics, part of Exact Sciences
Classification: Likely benign for UNC45A-related condition. Last evaluated: 2026-04-24. Review status: criteria provided, single submitter. Criteria: ACMG Guidelines, 2015. Collection method: clinical testing. Allele origin: germline.
Comment: This variant is classified as likely benign based on ACMG/AMP sequence variant interpretation guidelines (Richards et al. 2015 PMID: 25741868, with internal and published modifications).

Labcorp Genetics (formerly Invitae), Labcorp
Classification: Uncertain significance. Last evaluated: 2022-08-22. Review status: criteria provided, single submitter. Criteria: Invitae Variant Classification Sherloc (09022015). Collection method: clinical testing. Allele origin: germline.
Comment: This sequence change replaces arginine, which is basic and polar, with glutamine, which is neutral and polar, at codon 431 of the UNC45A protein (p.Arg431Gln). This variant is present in population databases (rs75536206, gnomAD 0.2%). This variant has not been reported in the literature in individuals affected with UNC45A-related conditions. ClinVar contains an entry for this variant (Variation ID: 1345061). Experimental studies and prediction algorithms are not available or were not evaluated, and the functional significance of this variant is currently unknown. In summary, the available evidence is currently insufficient to determine the role of this variant in disease. Therefore, it has been classified as a Variant of Uncertain Significance.